The following is an entry in ClinVar:

NM_022124.6(CDH23):c.518C>T (p.Pro173Leu)

Gene: CDH23 (cadherin related 23; plus strand). Cytogenetic location: 10q22.1.
Variant type: single nucleotide variant.
Coding change: c.518C>T on transcript NM_022124.6 (MANE Select); coding-DNA position 518, C replaced by T.
Protein change: p.Pro173Leu; replaces proline 173 with leucine.
Molecular consequence: missense variant.
Genome position (GRCh38, 1-based): chr10:71,566,830, C>T. VCF-style: chr10-71566830-C-T. GRCh37 (hg19) VCF-style: chr10-73326587-C-T.
Other names: c.518C>T, p.Pro173Leu (NM_001171930.2, NM_001171931.2, NM_001171932.2 and 1 more transcripts); short protein forms P173L.
Identifiers: ClinVar variation 1060714 (VCV001060714.9), dbSNP rs1023284898, ClinGen allele CA209437951.

ClinVar aggregate classification (germline): Uncertain significance. Review status: criteria provided, multiple submitters, no conflicts (2 of 4 stars). 2 submissions from 2 submitters: Uncertain significance (2). Last evaluated 2024-09-23.

Allele frequency attached by ClinVar (database versions not stated): gnomAD 0.00001; TOPMed 0.00001.
gnomAD v4.1: 3 of 1,613,864 alleles (0.00019%); highest among the groups gnomAD compares: African/African-American, 0.0027%; no homozygotes.

Submissions (2):

GeneDx
Classification: Uncertain significance. Last evaluated: 2024-09-23. Review status: criteria provided, single submitter. Criteria: GeneDx Variant Classification Process June 2021. Collection method: clinical testing. Allele origin: germline. Affected: yes.
Comment: Not observed at significant frequency in large population cohorts (gnomAD); In silico analysis supports that this missense variant has a deleterious effect on protein structure/function; Has not been previously published as pathogenic or benign to our knowledge

Labcorp Genetics (formerly Invitae), Labcorp
Classification: Uncertain significance. Last evaluated: 2022-09-06. Review status: criteria provided, single submitter. Criteria: Invitae Variant Classification Sherloc (09022015). Collection method: clinical testing. Allele origin: germline.
Comment: ClinVar contains an entry for this variant (Variation ID: 1060714). This variant has not been reported in the literature in individuals affected with CDH23-related conditions. This variant is not present in population databases (gnomAD no frequency). This sequence change replaces proline, which is neutral and non-polar, with leucine, which is neutral and non-polar, at codon 173 of the CDH23 protein (p.Pro173Leu). Algorithms developed to predict the effect of missense changes on protein structure and function are either unavailable or do not agree on the potential impact of this missense change (SIFT: "Deleterious"; PolyPhen-2: "Not Available"; Align-GVGD: "Class C0"). In summary, the available evidence is currently insufficient to determine the role of this variant in disease. Therefore, it has been classified as a Variant of Uncertain Significance.